The following is an entry in ClinVar:

NM_152268.4(PARS2):c.62T>C (p.Leu21Pro)

Gene: PARS2 (prolyl-tRNA synthetase 2, mitochondrial; minus strand). Cytogenetic location: 1p32.3.
Variant type: single nucleotide variant.
Coding change: c.62T>C on transcript NM_152268.4 (MANE Select); coding-DNA position 62, T replaced by C.
Protein change: p.Leu21Pro; replaces leucine 21 with proline.
Molecular consequence: missense variant.
Genome position (GRCh38, 1-based): chr1:54,759,100, A>G on the plus strand (T>C on the coding strand, the complement: PARS2 is on the minus strand). VCF-style: chr1-54759100-A-G. GRCh37 (hg19) VCF-style: chr1-55224773-A-G.
Other names: short protein forms L21P.
Identifiers: ClinVar variation 2899156 (VCV002899156.2), dbSNP rs116816976, ClinGen allele CA869560.
Genomic context (GRCh38, chr1:54,759,100, plus strand): 5'-AGCAGGCGCCGCCCTCTTCTTGGGGCACAGTGGTGAAACCTGCAAGGAACATACCCAGAG[A>G]GCTGGCGGCTGCAGGTGGCCAGGGCGGGCAATGCTCTGCATCTTGTCAGCAGCCCTTCCA-3'
Protein context (NP_689481.2, residues 11-31): LPALATCSRQ[Leu21Pro]SGYVPCRFHH

ClinVar aggregate classification (germline): Uncertain significance (1 of 4 stars; one submission).

gnomAD v4.1: 15 of 1,612,062 alleles (0.00093%); highest among the groups gnomAD compares: Non-Finnish European, 0.0012%; no homozygotes.

Submission:

Labcorp Genetics (formerly Invitae), Labcorp
Classification: Uncertain significance. Last evaluated: 2023-07-26. Review status: criteria provided, single submitter. Criteria: Invitae Variant Classification Sherloc (09022015). Collection method: clinical testing. Allele origin: germline.
Comment: This variant has not been reported in the literature in individuals affected with PARS2-related conditions. In summary, the available evidence is currently insufficient to determine the role of this variant in disease. Therefore, it has been classified as a Variant of Uncertain Significance. An algorithm developed to predict the effect of missense changes on protein structure and function (PolyPhen-2) suggests that this variant¬¨‚Ä†is likely to be tolerated. This sequence change replaces leucine, which is neutral and non-polar, with proline, which is neutral and non-polar, at codon 21 of the PARS2 protein (p.Leu21Pro). This variant is present in population databases (rs116816976, gnomAD 0.003%).